The following is an entry in ClinVar:

NM_003482.4(KMT2D):c.6849G>C (p.Lys2283Asn)

Gene: KMT2D (lysine methyltransferase 2D; minus strand). Cytogenetic location: 12q13.12.
Variant type: single nucleotide variant.
Coding change: c.6849G>C on transcript NM_003482.4 (MANE Select); coding-DNA position 6849, G replaced by C.
Protein change: p.Lys2283Asn; replaces lysine 2283 with asparagine.
Molecular consequence: missense variant.
Genome position (GRCh38, 1-based): chr12:49,040,921, C>G on the plus strand (G>C on the coding strand, the complement: KMT2D is on the minus strand). VCF-style: chr12-49040921-C-G. GRCh37 (hg19) VCF-style: chr12-49434704-C-G.
Other names: short protein forms K2283N.
Identifiers: ClinVar variation 1348871 (VCV001348871.8), dbSNP rs2120537723, ClinGen allele CA384749463.
Genomic context (GRCh38, chr12:49,040,921, plus strand): 5'-GTTTGGGGGCCCATAGCTAGGAGAGGATGCCCCAAGCTCTTCCTTCTTCACCTCTAGGGC[C>G]TTCCGGGACTCCCCAAAAGGTGGGGGCGAGAGCAGGGGCTCGGAAGCTTTGCCTCCCCCT-3'
Protein context (NP_003473.3, residues 2273-2293): LSPPPFGESR[Lys2283Asn]ALEVKKEELG

ClinVar aggregate classification (germline): Uncertain significance (1 of 4 stars; one submission).

Conditions:
Kabuki syndrome. Also called: NIIKAWA-KUROKI SYNDROME; Kabuki make-up syndrome. Identifiers: Orphanet 2322, MedGen C0796004, MONDO:0016512.

gnomAD v4.1: 3 of 1,613,780 alleles (0.00019%); highest among the groups gnomAD compares: Non-Finnish European, 0.00017%; no homozygotes.

Submission:

Labcorp Genetics (formerly Invitae), Labcorp
Classification: Uncertain significance for Kabuki syndrome. Last evaluated: 2024-02-12. Review status: criteria provided, single submitter. Criteria: Invitae Variant Classification Sherloc (09022015). Collection method: clinical testing. Allele origin: germline.
Comment: This sequence change replaces lysine, which is basic and polar, with asparagine, which is neutral and polar, at codon 2283 of the KMT2D protein (p.Lys2283Asn). This variant is not present in population databases (gnomAD no frequency). This variant has not been reported in the literature in individuals affected with KMT2D-related conditions. ClinVar contains an entry for this variant (Variation ID: 1348871). Advanced modeling of protein sequence and biophysical properties (such as structural, functional, and spatial information, amino acid conservation, physicochemical variation, residue mobility, and thermodynamic stability) performed at Invitae indicates that this missense variant is not expected to disrupt KMT2D protein function with a negative predictive value of 95%. In summary, the available evidence is currently insufficient to determine the role of this variant in disease. Therefore, it has been classified as a Variant of Uncertain Significance.